The following is an entry in ClinVar:

NM_002470.4(MYH3):c.3137_3138delinsAC (p.Arg1046His)

Gene: MYH3 (myosin heavy chain 3; minus strand). Cytogenetic location: 17p13.1.
Variant type: Indel.
Coding change: c.3137_3138delinsAC on transcript NM_002470.4 (MANE Select); coding-DNA positions 3137 to 3138, GA replaced by AC.
Protein change: p.Arg1046His; replaces arginine 1046 with histidine.
Molecular consequence: missense variant.
Genome position (GRCh38, 1-based): chr17:10,639,154-10,639,155, TC replaced by GT on the plus strand (GA replaced by AC on the coding strand, the reverse complement: MYH3 is on the minus strand). VCF-style: chr17-10639154-TC-GT. GRCh37 (hg19) VCF-style: chr17-10542471-TC-GT.
Other names: c.3137_3138delinsAC (NM_002470.3); short protein forms R1046H.
Identifiers: ClinVar variation 1406918 (VCV001406918.8), dbSNP rs2142397845, ClinGen allele CA2573152951.

ClinVar aggregate classification (germline): Uncertain significance. Review status: criteria provided, multiple submitters, no conflicts (2 of 4 stars). 2 submissions from 2 submitters: Uncertain significance (2). Last evaluated 2025-12-16.

Submissions (2):

Labcorp Genetics (formerly Invitae), Labcorp
Classification: Uncertain significance. Last evaluated: 2025-12-16. Review status: criteria provided, single submitter. Criteria: Invitae Variant Classification Sherloc (09022015). Collection method: clinical testing. Allele origin: germline.
Comment: This sequence change replaces arginine, which is basic and polar, with histidine, which is basic and polar, at codon 1046 of the MYH3 protein (p.Arg1046His). This variant is present in population databases (no rsID available, gnomAD 0.04%). This variant has not been reported in the literature in individuals affected with MYH3-related conditions. ClinVar contains an entry for this variant (Variation ID: 1406918). An algorithm developed to predict the effect of missense changes on protein structure and function (PolyPhen-2) suggests that this variant is likely to be disruptive. In summary, the available evidence is currently insufficient to determine the role of this variant in disease. Therefore, it has been classified as a Variant of Uncertain Significance.

GeneDx
Classification: Uncertain significance. Last evaluated: 2023-10-25. Review status: criteria provided, single submitter. Criteria: GeneDx Variant Classification Process June 2021. Collection method: clinical testing. Allele origin: germline. Affected: yes.
Comment: In silico analysis supports a deleterious effect on protein structure/function; Has not been previously published as pathogenic or benign to our knowledge